The following is an entry in ClinVar:

NC_000009.11:g.(?_130928476)_(131004634_?)dup

Genes: CIZ1 (CDKN1A interacting zinc finger protein 1; minus strand), DNM1 (dynamin 1; plus strand). Cytogenetic location: 9q34.11.
Variant type: Duplication.
Identifiers: ClinVar variation 1064173 (VCV001064173.8).

ClinVar aggregate classification (germline): Uncertain significance (1 of 4 stars; one submission).

Conditions:
Developmental and epileptic encephalopathy, 31A. Also called: Epileptic encephalopathy, early infantile, 31; Developmental and epileptic encephalopathy, 31. Identifiers: Orphanet 2382, MedGen C4225357, MONDO:0014598, OMIM 616346.

Submission:

Labcorp Genetics (formerly Invitae), Labcorp
Classification: Uncertain significance for Developmental and epileptic encephalopathy, 31A. Last evaluated: 2023-12-18. Review status: criteria provided, single submitter. Criteria: Invitae Variant Classification Sherloc (09022015). Collection method: clinical testing. Allele origin: germline.
Comment: This variant results in a copy number gain of the genomic region encompassing exon(s) 1-15 of the DNM1 gene. This region includes the initiator codon of the gene. This copy number gain extends beyond the assayed region for this gene and therefore may encompass additional genes. As the precise location of this event is unknown, it may be in tandem or it may be located elsewhere in the genome. This variant has not been reported in the literature in individuals affected with DNM1-related conditions. In summary, the available evidence is currently insufficient to determine the role of this variant in disease. Therefore, it has been classified as a Variant of Uncertain Significance.